The following is an entry in ClinVar:

ClinVar aggregate classification (germline): Uncertain significance (1 of 4 stars; one submission).

Conditions:
Inborn genetic diseases. Identifiers: MedGen C0950123, MeSH D030342.

gnomAD v4.1: 1 of 1,613,830 alleles (0.000062%); highest among the groups gnomAD compares: Non-Finnish European, 0.000085%; no homozygotes.

Submission:

Ambry Genetics
Classification: Uncertain significance for Inborn genetic diseases. Last evaluated: 2025-03-31. Review status: criteria provided, single submitter. Criteria: Ambry Variant Classification Scheme 2023. Collection method: clinical testing. Allele origin: germline.
Comment: The p.D488Y variant (also known as c.1462G>T), located in coding exon 9 of the ERCC6L2 gene, results from a G to T substitution at nucleotide position 1462. The aspartic acid at codon 488 is replaced by tyrosine, an amino acid with highly dissimilar properties. This amino acid position is conserved. In addition, the in silico prediction for this alteration is inconclusive. Based on the available evidence, the clinical significance of this variant remains unclear.

NM_020207.7(ERCC6L2):c.1462G>T (p.Asp488Tyr)

Gene: ERCC6L2 (ERCC excision repair 6 like 2; plus strand). Cytogenetic location: 9q22.32.
Variant type: single nucleotide variant.
Coding change: c.1462G>T on transcript NM_020207.7 (MANE Select); coding-DNA position 1462, G replaced by T.
Protein change: p.Asp488Tyr; replaces aspartic acid 488 with tyrosine.
Molecular consequence: missense variant. On other transcripts: non-coding transcript variant (1).
Genome position (GRCh38, 1-based): chr9:95,923,308, G>T. VCF-style: chr9-95923308-G-T. GRCh37 (hg19) VCF-style: chr9-98685590-G-T.
Other names: c.1462G>T, p.Asp488Tyr (NM_001010895.4, NM_001375291.1, NM_001375292.1 and 2 more transcripts); short protein forms D488Y.
Identifiers: ClinVar variation 4019284 (VCV004019284.1).